The following is an entry in ClinVar:

ClinVar aggregate classification (germline): Uncertain significance (1 of 4 stars; one submission).

Conditions:
Mitochondrial complex I deficiency, nuclear type 16. Also called: Mitochondrial complex 1 deficiency, nuclear type 16. Identifiers: MedGen C4748785, MONDO:0032621, OMIM 618238.

Submission:

Juno Genomics, Hangzhou Juno Genomics, Inc
Classification: Uncertain significance for Mitochondrial complex I deficiency, nuclear type 16. Review status: criteria provided, single submitter. Criteria: ACMG Guidelines, 2015. Collection method: clinical testing. Allele origin: germline.
Comment: Absent from controls (or at extremely low frequency if recessive) in Genome Aggregation Database.;Multiple lines of computational evidence support a deleterious effect on the gene or gene product.

NM_024120.5(NDUFAF5):c.807T>G (p.Asn269Lys)

Gene: NDUFAF5 (NADH:ubiquinone oxidoreductase complex assembly factor 5; plus strand). Cytogenetic location: 20p12.1.
Variant type: single nucleotide variant.
Coding change: c.807T>G on transcript NM_024120.5 (MANE Select); coding-DNA position 807, T replaced by G.
Protein change: p.Asn269Lys; replaces asparagine 269 with lysine.
Molecular consequence: missense variant. On other transcripts: non-coding transcript variant (7).
Genome position (GRCh38, 1-based): chr20:13,816,491, T>G. VCF-style: chr20-13816491-T-G. GRCh37 (hg19) VCF-style: chr20-13797137-T-G.
Other names: c.723T>G, p.Asn241Lys (NM_001039375.3); c.336T>G, p.Asn112Lys (NM_001352403.2); c.246T>G, p.Asn82Lys (NM_001352406.2, NM_001352407.2); short protein forms N241K, N112K, N269K, N82K.
Identifiers: ClinVar variation 5006357 (VCV005006357.2).
Genomic context (GRCh38, chr20:13,816,491, plus strand): 5'-ATTATCTCAAACTACCTGTAGTGTATTTGTAGGTATGGGTGAGAGTAACTGTGCTTGGAA[T>G]AGAAAAGCCCTGCTGCATCGAGACACAATGCTGGCAGCTGCGGCAGTGTACAGAGGTAAG-3'
Protein context (NP_077025.2, residues 259-279): QGMGESNCAW[Asn269Lys]RKALLHRDTM